The following is an entry in ClinVar:

ClinVar aggregate classification (germline): Uncertain significance. Review status: criteria provided, multiple submitters, no conflicts (2 of 4 stars). 2 submissions from 2 submitters: Uncertain significance (2). Last evaluated 2022-10-25.

Conditions:
Developmental and epileptic encephalopathy 94 (DEE94). Also called: Epileptic encephalopathy, childhood-onset; CHD2-Related Neurodevelopmental Disorders. Identifiers: Orphanet 1942, Orphanet 2382, MedGen C3809278, MONDO:0014150, OMIM 615369.

Allele frequency attached by ClinVar (database versions not stated): gnomAD exomes below 0.00001 and 0.00001; ExAC 0.00001; gnomAD 0.00001 and 0.00003; TOPMed 0.00003; ESP Exome Variant Server 0.00008.
gnomAD v4.1: 15 of 1,613,896 alleles (0.00093%); highest among the groups gnomAD compares: Non-Finnish European, 0.00093%; no homozygotes.

Submissions (2):

Labcorp Genetics (formerly Invitae), Labcorp
Classification: Uncertain significance for Developmental and epileptic encephalopathy 94. Last evaluated: 2022-10-25. Review status: criteria provided, single submitter. Criteria: Invitae Variant Classification Sherloc (09022015). Collection method: clinical testing. Allele origin: germline.
Comment: In summary, the available evidence is currently insufficient to determine the role of this variant in disease. Therefore, it has been classified as a Variant of Uncertain Significance. Advanced modeling of protein sequence and biophysical properties (such as structural, functional, and spatial information, amino acid conservation, physicochemical variation, residue mobility, and thermodynamic stability) performed at Invitae indicates that this missense variant is not expected to disrupt CHD2 protein function. ClinVar contains an entry for this variant (Variation ID: 393150). This variant has not been reported in the literature in individuals affected with CHD2-related conditions. This variant is present in population databases (rs377701152, gnomAD 0.02%). This sequence change replaces lysine, which is basic and polar, with glutamic acid, which is acidic and polar, at codon 192 of the CHD2 protein (p.Lys192Glu).

GeneDx
Classification: Uncertain significance. Last evaluated: 2017-01-27. Review status: criteria provided, single submitter. Criteria: GeneDx Variant Classification (06012015). Collection method: clinical testing. Allele origin: germline. Affected: yes.
Comment: A variant of uncertain significance has been identified in the CHD2 gene. The K192E variant has not been published as a pathogenic variant, nor has it been reported as a benign variant to our knowledge. The K192E variant is not observed at a significant frequency in large population cohorts (Lek et al., 2016; 1000 Genomes Consortium et al., 2015; Exome Variant Server). The K192E variant is a non-conservative amino acid substitution, which is likely to impact secondary protein structure as these residues differ in polarity, charge, size and/or other properties. This substitution occurs at a position that is conserved in mammals. In silico analysis is inconsistent in its predictions as to whether or not the variant is damaging to the protein structure/function. Based on the currently available information, it is unclear whether this variant is a pathogenic variant or a rare benign variant.

NM_001271.4(CHD2):c.574A>G (p.Lys192Glu)

Gene: CHD2 (chromodomain helicase DNA binding protein 2; plus strand). Cytogenetic location: 15q26.1.
Variant type: single nucleotide variant.
Coding change: c.574A>G on transcript NM_001271.4 (MANE Select); coding-DNA position 574, A replaced by G.
Protein change: p.Lys192Glu; replaces lysine 192 with glutamic acid.
Molecular consequence: missense variant.
Genome position (GRCh38, 1-based): chr15:92,939,600, A>G. VCF-style: chr15-92939600-A-G. GRCh37 (hg19) VCF-style: chr15-93482830-A-G.
Other names: c.574A>G, p.Lys192Glu (NM_001042572.3); short protein forms K192E.
Identifiers: ClinVar variation 393150 (VCV000393150.12), dbSNP rs377701152, ClinGen allele CA7747573.